The following is an entry in ClinVar:

NM_000051.3(ATM):c.5902_5903insSVAelement

Genes: ATM (ATM serine/threonine kinase; plus strand), C11orf65 (chromosome 11 open reading frame 65; minus strand). Cytogenetic location: 11q22.3.
Variant type: Insertion.
Coding change: c.5902_5903insSVAelement on transcript NM_000051.3; coding-DNA positions 5902 to 5903, an insertion.
Other names: NM_000051.3:c.5902_5903insSVA.
Identifiers: ClinVar variation 660416 (VCV000660416.1), dbSNP rs2084039379.

ClinVar aggregate classification (germline): Pathogenic (1 of 4 stars; one submission).

Conditions:
Ataxia-telangiectasia syndrome (AT). Also called: Ataxia-telangiectasia, complementation group D; AT, COMPLEMENTATION GROUP C; Ataxia telangiectasia (A-T); Cerebello-oculocutaneous telangiectasia; Immunodeficiency with ataxia telangiectasia; ATAXIA-TELANGIECTASIA, COMPLEMENTATION GROUP A. Identifiers: Orphanet 100, MedGen C0004135, MONDO:0008840, OMIM 208900.

Submission:

Labcorp Genetics (formerly Invitae), Labcorp
Classification: Pathogenic for Ataxia-telangiectasia syndrome. Last evaluated: 2018-10-11. Review status: criteria provided, single submitter. Criteria: Invitae Variant Classification Sherloc (09022015). Collection method: clinical testing. Allele origin: germline.
Comment: This sequence change inserts a large fragment of DNA, likely a transposable element, in 39 of the ATM gene (c.5902_5903insSVA), causing a frameshift at codon 1968 (p.Asp1968fs). The exact size and sequence of the insertion cannot be determined by the current assay. However, the insertion is expected to result in an absent or disrupted protein product. This variant is not present in population databases (ExAC no frequency). This variant has not been reported in the literature in individuals with ATM-related disease. Retrotransposon insertions including LINE1 (L1), Alu, and SVA (SINE-VNTR-Alu) have been reported to be disease-causing through disruption of either a coding region or splice site (PMID: 19763152, 20307669, 22406018) and loss-of-function variants in ATM are known to be pathogenic (PMID: 23807571, 25614872). For these reasons, this variant has been classified as Pathogenic.

Literature cited by the submitters: PubMed 23807571; PubMed 25614872; PubMed 19763152; PubMed 22406018; PubMed 20307669.